The following is an entry in ClinVar:

NM_201384.3(PLEC):c.12320G>A (p.Arg4107His)

Gene: PLEC (plectin; minus strand). Cytogenetic location: 8q24.3.
Variant type: single nucleotide variant.
Coding change: c.12320G>A on transcript NM_201384.3 (MANE Select); coding-DNA position 12320, G replaced by A.
Protein change: p.Arg4107His; replaces arginine 4107 with histidine.
Molecular consequence: missense variant.
Genome position (GRCh38, 1-based): chr8:143,917,501, C>T on the plus strand (G>A on the coding strand, the complement: PLEC is on the minus strand). VCF-style: chr8-143917501-C-T. GRCh37 (hg19) VCF-style: chr8-144991669-C-T.
Other names: c.12401G>A, p.Arg4134His (NM_000445.5); c.12278G>A, p.Arg4093His (NM_201378.4); c.12254G>A, p.Arg4085His (NM_201379.3); c.12731G>A, p.Arg4244His (NM_201380.4); c.12224G>A, p.Arg4075His (NM_201381.3); c.12320G>A, p.Arg4107His (NM_201382.4); c.12332G>A, p.Arg4111His (NM_201383.3); c.12401G>A (NM_000445.3); short protein forms R4075H, R4085H, R4093H, R4107H, R4111H, R4134H, R4244H.
Identifiers: ClinVar variation 499290 (VCV000499290.16), dbSNP rs200585446, ClinGen allele CA4924121.

ClinVar aggregate classification (germline): Uncertain significance. Review status: criteria provided, multiple submitters, no conflicts (2 of 4 stars). 4 submissions from 4 submitters: Uncertain significance (4). Last evaluated 2025-02-27.

Conditions:
Inborn genetic diseases. Identifiers: MedGen C0950123, MeSH D030342.
Epidermolysis bullosa simplex 5B, with muscular dystrophy (EBS5B). Also called: EPIDERMOLYSIS BULLOSA SIMPLEX AND LIMB-GIRDLE MUSCULAR DYSTROPHY; Epidermolysis bullosa simplex with muscular dystrophy. Identifiers: Orphanet 257, MedGen C2931072, MONDO:0009181, OMIM 226670.
Epidermolysis bullosa simplex, Ogna type (EBS5A). Also called: Pidermolysis bullosa simplex 5A, Ogna type; EPIDERMOLYSIS BULLOSA SIMPLEX 5A, OGNA TYPE. Identifiers: Orphanet 79401, MedGen C0432317, MONDO:0007555, OMIM 131950.
Autosomal recessive limb-girdle muscular dystrophy type 2Q (LGMDR17). Also called: MUSCULAR DYSTROPHY, LIMB-GIRDLE, AUTOSOMAL RECESSIVE 17. Identifiers: Orphanet 254361, MedGen C3150989, MONDO:0013390, OMIM 613723.
Epidermolysis bullosa simplex 5C, with pyloric atresia (EBS5C). Also called: Epidermolysis bullosa simplex with pyloric atresia; PLEC1-Related Epidermolysis Bullosa with Pyloric Atresia; PLEC-Related Epidermolysis Bullosa with Pyloric Atresia. Identifiers: Orphanet 158684, MedGen C2677349, MONDO:0012807, OMIM 612138.
Epidermolysis bullosa simplex with nail dystrophy (EBS5D). Identifiers: MedGen C4225309, MONDO:0014661, OMIM 616487.

Allele frequency attached by ClinVar (database versions not stated): gnomAD exomes 0.00005 and 0.00007; gnomAD 0.00007 and 0.00008; ExAC 0.00009; TOPMed 0.00010; ESP Exome Variant Server 0.00024.
gnomAD v4.1: 79 of 1,613,770 alleles (0.0049%); highest among the groups gnomAD compares: Middle Eastern, 0.049%; 1 homozygote.

Submissions (4):

Labcorp Genetics (formerly Invitae), Labcorp
Classification: Uncertain significance for Autosomal recessive limb-girdle muscular dystrophy type 2Q; Epidermolysis bullosa simplex, Ogna type; Epidermolysis bullosa simplex with nail dystrophy; Epidermolysis bullosa simplex 5C, with pyloric atresia; Epidermolysis bullosa simplex 5B, with muscular dystrophy. Last evaluated: 2025-02-27. Review status: criteria provided, single submitter. Criteria: Invitae Variant Classification Sherloc (09022015). Collection method: clinical testing. Allele origin: germline.
Comment: This sequence change replaces arginine, which is basic and polar, with histidine, which is basic and polar, at codon 4134 of the PLEC protein (p.Arg4134His). This variant is present in population databases (rs200585446, gnomAD 0.06%), including at least one homozygous and/or hemizygous individual. This variant has not been reported in the literature in individuals affected with PLEC-related conditions. ClinVar contains an entry for this variant (Variation ID: 499290). Invitae Evidence Modeling of protein sequence and biophysical properties (such as structural, functional, and spatial information, amino acid conservation, physicochemical variation, residue mobility, and thermodynamic stability) indicates that this missense variant is not expected to disrupt PLEC protein function with a negative predictive value of 80%. In summary, the available evidence is currently insufficient to determine the role of this variant in disease. Therefore, it has been classified as a Variant of Uncertain Significance.

Ambry Genetics
Classification: Uncertain significance for Inborn genetic diseases. Last evaluated: 2024-05-13. Review status: criteria provided, single submitter. Criteria: Ambry Variant Classification Scheme 2023. Collection method: clinical testing. Allele origin: germline.

Revvity Omics, Revvity
Classification: Uncertain significance. Last evaluated: 2022-09-27. Review status: criteria provided, single submitter. Criteria: ACMG Guidelines, 2015. Collection method: clinical testing. Allele origin: germline.

Eurofins Ntd Llc (ga)
Classification: Uncertain significance. Last evaluated: 2017-11-17. Review status: criteria provided, single submitter. Criteria: EGL Classification Definitions 2015. Collection method: clinical testing. Allele origin: germline. Observed: 2 variant alleles, 2 heterozygotes.